The following is an entry in ClinVar:

NM_001080449.3(DNA2):c.2093G>A (p.Arg698His)

Gene: DNA2 (DNA replication helicase/nuclease 2; minus strand). Cytogenetic location: 10q21.3.
Variant type: single nucleotide variant.
Coding change: c.2093G>A on transcript NM_001080449.3 (MANE Select); coding-DNA position 2093, G replaced by A.
Protein change: p.Arg698His; replaces arginine 698 with histidine.
Molecular consequence: missense variant.
Genome position (GRCh38, 1-based): chr10:68,430,551, C>T on the plus strand (G>A on the coding strand, the complement: DNA2 is on the minus strand). VCF-style: chr10-68430551-C-T. GRCh37 (hg19) VCF-style: chr10-70190308-C-T.
Other names: short protein forms R698H.
Identifiers: ClinVar variation 1312785 (VCV001312785.9), dbSNP rs367905585, ClinGen allele CA5524897.

ClinVar aggregate classification (germline): Uncertain significance. Review status: criteria provided, multiple submitters, no conflicts (2 of 4 stars). 3 submissions from 3 submitters: Uncertain significance (3). Last evaluated 2026-01-12.

Conditions:
Inborn genetic diseases. Identifiers: MedGen C0950123, MeSH D030342.

Allele frequency attached by ClinVar (database versions not stated): gnomAD exomes 0.00002; gnomAD 0.00003; TOPMed 0.00004; ExAC 0.00005; ESP Exome Variant Server 0.00017.
gnomAD v4.1: 28 of 1,609,896 alleles (0.0017%); highest among the groups gnomAD compares: East Asian, 0.0045%; no homozygotes.

Submissions (3):

Labcorp Genetics (formerly Invitae), Labcorp
Classification: Uncertain significance. Last evaluated: 2026-01-12. Review status: criteria provided, single submitter. Criteria: Invitae Variant Classification Sherloc (09022015). Collection method: clinical testing. Allele origin: germline.
Comment: This sequence change replaces arginine, which is basic and polar, with histidine, which is basic and polar, at codon 698 of the DNA2 protein (p.Arg698His). This variant is present in population databases (rs367905585, gnomAD 0.02%). This variant has not been reported in the literature in individuals affected with DNA2-related conditions. ClinVar contains an entry for this variant (Variation ID: 1312785). Invitae Evidence Modeling of protein sequence and biophysical properties (such as structural, functional, and spatial information, amino acid conservation, physicochemical variation, residue mobility, and thermodynamic stability) indicates that this missense variant is expected to disrupt DNA2 protein function with a positive predictive value of 80%. In summary, the available evidence is currently insufficient to determine the role of this variant in disease. Therefore, it has been classified as a Variant of Uncertain Significance.

Ambry Genetics
Classification: Uncertain significance for Inborn genetic diseases. Last evaluated: 2025-03-22. Review status: criteria provided, single submitter. Criteria: Ambry Variant Classification Scheme 2023. Collection method: clinical testing. Allele origin: germline.

GeneDx
Classification: Uncertain significance. Last evaluated: 2023-06-26. Review status: criteria provided, single submitter. Criteria: GeneDx Variant Classification Process June 2021. Collection method: clinical testing. Allele origin: germline. Affected: yes.
Comment: Has not been previously published as pathogenic or benign to our knowledge; In silico analysis supports that this missense variant has a deleterious effect on protein structure/function